The following is an entry in ClinVar:

ClinVar aggregate classification (germline): Uncertain significance (1 of 4 stars; one submission).

Conditions:
Dyskeratosis congenita. Identifiers: Orphanet 1775, MedGen C0265965, MONDO:0015780.

gnomAD v4.1: 1 of 1,613,552 alleles (0.000062%); highest among the groups gnomAD compares: South Asian, 0.0011%; no homozygotes.

Submission:

Labcorp Genetics (formerly Invitae), Labcorp
Classification: Uncertain significance for Dyskeratosis congenita. Last evaluated: 2024-10-16. Review status: criteria provided, single submitter. Criteria: Invitae Variant Classification Sherloc (09022015). Collection method: clinical testing. Allele origin: germline.
Comment: This sequence change replaces arginine, which is basic and polar, with lysine, which is basic and polar, at codon 55 of the CTC1 protein (p.Arg55Lys). This variant is not present in population databases (gnomAD no frequency). This variant has not been reported in the literature in individuals affected with CTC1-related conditions. ClinVar contains an entry for this variant (Variation ID: 1513665). An algorithm developed to predict the effect of missense changes on protein structure and function outputs the following: PolyPhen-2: "Benign". The lysine amino acid residue is found in multiple mammalian species, which suggests that this missense change does not adversely affect protein function. In summary, the available evidence is currently insufficient to determine the role of this variant in disease. Therefore, it has been classified as a Variant of Uncertain Significance.

NM_025099.6(CTC1):c.164G>A (p.Arg55Lys)

Gene: CTC1 (CST telomere replication complex component 1; minus strand). Cytogenetic location: 17p13.1.
Variant type: single nucleotide variant.
Coding change: c.164G>A on transcript NM_025099.6 (MANE Select); coding-DNA position 164, G replaced by A.
Protein change: p.Arg55Lys; replaces arginine 55 with lysine.
Molecular consequence: missense variant. On other transcripts: non-coding transcript variant (1).
Genome position (GRCh38, 1-based): chr17:8,243,018, C>T on the plus strand (G>A on the coding strand, the complement: CTC1 is on the minus strand). VCF-style: chr17-8243018-C-T. GRCh37 (hg19) VCF-style: chr17-8146336-C-T.
Other names: short protein forms R55K.
Identifiers: ClinVar variation 1513665 (VCV001513665.6), dbSNP rs2151545851, ClinGen allele CA397996191.